The following is an entry in ClinVar:

NM_152703.5(SAMD9L):c.3654C>G (p.His1218Gln)

Gene: SAMD9L (sterile alpha motif domain containing 9 like; minus strand). Cytogenetic location: 7q21.2.
Variant type: single nucleotide variant.
Coding change: c.3654C>G on transcript NM_152703.5 (MANE Select); coding-DNA position 3654, C replaced by G.
Protein change: p.His1218Gln; replaces histidine 1218 with glutamine.
Molecular consequence: missense variant.
Genome position (GRCh38, 1-based): chr7:93,132,318, G>C on the plus strand (C>G on the coding strand, the complement: SAMD9L is on the minus strand). VCF-style: chr7-93132318-G-C. GRCh37 (hg19) VCF-style: chr7-92761631-G-C.
Other names: c.3654C>G, p.His1218Gln (NM_001303496.3, NM_001303497.3, NM_001303498.3 and 5 more transcripts); short protein forms H1218Q.
Identifiers: ClinVar variation 5028906 (VCV005028906.1).

ClinVar aggregate classification (germline): Uncertain significance (1 of 4 stars; one submission).

Conditions:
Inborn genetic diseases. Identifiers: MedGen C0950123, MeSH D030342.

Submission:

Ambry Genetics
Classification: Uncertain significance for Inborn genetic diseases. Last evaluated: 2026-07-22. Review status: criteria provided, single submitter. Criteria: Ambry Variant Classification Scheme 2023. Collection method: clinical testing. Allele origin: germline.
Comment: The p.H1218Q variant (also known as c.3654C>G), located in coding exon 1 of the SAMD9L gene, results from a C to G substitution at nucleotide position 3654. The histidine at codon 1218 is replaced by glutamine, an amino acid with highly similar properties. This amino acid position is conserved. In addition, this alteration is predicted to be tolerated by in silico analysis. Based on the available evidence, the clinical significance of this variant remains unclear.